The following is an entry in ClinVar:

NM_001165963.4(SCN1A):c.541del (p.Glu181fs)

Gene: SCN1A (sodium voltage-gated channel alpha subunit 1; minus strand). Cytogenetic location: 2q24.3.
Variant type: Deletion.
Coding change: c.541del on transcript NM_001165963.4 (MANE Select); coding-DNA position 541, one base deleted (G; older notation c.541delG).
Protein change: p.Glu181fs; shifts the reading frame from glutamic acid 181.
Molecular consequence: frameshift variant. On other transcripts: 5 prime UTR variant (1), non-coding transcript variant (1).
Genome position (GRCh38, 1-based): chr2:166,054,699, C deleted on the plus strand (G on the coding strand, the reverse complement: SCN1A is on the minus strand). VCF-style (leftmost placement, unchanged base first): chr2-166054698-TC-T. GRCh37 (hg19) VCF-style: chr2-166911208-TC-T.
Other names: c.541del, p.Glu181fs (NM_001165964.3, NM_001202435.3, NM_001353948.2 and 10 more transcripts); c.-1885del (NM_001353961.2); short protein forms E181fs.
Identifiers: ClinVar variation 1073663 (VCV001073663.8), dbSNP rs2105902170, ClinGen allele CA2499215208.

ClinVar aggregate classification (germline): Pathogenic (1 of 4 stars; one submission).

Conditions:
Early-infantile DEE. Also called: Ohtahara syndrome; Early infantile epileptic encephalopathy with suppression bursts; Early infantile epileptic encephalopathy. Identifiers: Orphanet 1934, MedGen C0393706, MONDO:0800491.

Submission:

Labcorp Genetics (formerly Invitae), Labcorp
Classification: Pathogenic for Early-infantile DEE. Last evaluated: 2020-01-15. Review status: criteria provided, single submitter. Criteria: Invitae Variant Classification Sherloc (09022015). Collection method: clinical testing. Allele origin: germline.
Comment: This sequence change creates a premature translational stop signal (p.Glu181Lysfs*35) in the SCN1A gene. It is expected to result in an absent or disrupted protein product. This variant is not present in population databases (ExAC no frequency). This variant has not been reported in the literature in individuals with SCN1A-related conditions. Loss-of-function variants in SCN1A are known to be pathogenic (PMID: 17347258, 18930999). For these reasons, this variant has been classified as Pathogenic.

Literature cited by the submitters: PubMed 17347258; PubMed 18930999.